The following is an entry in ClinVar:

NM_006648.4(WNK2):c.6548C>T (p.Pro2183Leu)

Gene: WNK2 (WNK lysine deficient protein kinase 2; plus strand). Cytogenetic location: 9q22.31.
Variant type: single nucleotide variant.
Coding change: c.6548C>T on transcript NM_006648.4 (MANE Select); coding-DNA position 6548, C replaced by T.
Protein change: p.Pro2183Leu; replaces proline 2183 with leucine.
Molecular consequence: missense variant.
Genome position (GRCh38, 1-based): chr9:93,317,551, C>T. VCF-style: chr9-93317551-C-T. GRCh37 (hg19) VCF-style: chr9-96079833-C-T.
Other names: c.6659C>T, p.Pro2220Leu (NM_001282394.3); short protein forms P2183L, P2220L.
Identifiers: ClinVar variation 4866611 (VCV004866611.1).

ClinVar aggregate classification (germline): Uncertain significance (1 of 4 stars; one submission).

Submission:

Ambry Genetics
Classification: Uncertain significance. Last evaluated: 2026-04-22. Review status: criteria provided, single submitter. Criteria: Ambry Variant Classification Scheme 2023. Collection method: clinical testing. Allele origin: germline.
Comment: The p.P2183L variant (also known as c.6548C>T), located in coding exon 28 of the WNK2 gene, results from a C to T substitution at nucleotide position 6548. The proline at codon 2183 is replaced by leucine, an amino acid with similar properties. This amino acid position is conserved. In addition, this alteration is predicted to be tolerated by in silico analysis. Based on the available evidence, the clinical significance of this variant remains unclear.